The following is an entry in ClinVar:

ClinVar aggregate classification (germline): Uncertain significance. Review status: criteria provided, multiple submitters, no conflicts (2 of 4 stars). 2 submissions from 2 submitters: Uncertain significance (2). Last evaluated 2022-12-23.

Conditions:
Hereditary cancer-predisposing syndrome. Also called: Tumor predisposition; Hereditary Cancer Syndrome; Neoplastic Syndromes, Hereditary; Hereditary neoplastic syndrome. Identifiers: Orphanet 140162, MedGen C0027672, MeSH D009386, MONDO:0015356.

Submissions (2):

Women's Health and Genetics/Laboratory Corporation of America, LabCorp
Classification: Uncertain significance. Last evaluated: 2022-12-23. Review status: criteria provided, single submitter. Criteria: LabCorp Variant Classification Summary - May 2015. Collection method: clinical testing. Allele origin: germline.

Ambry Genetics
Classification: Uncertain significance for Hereditary cancer-predisposing syndrome. Last evaluated: 2019-09-13. Review status: criteria provided, single submitter. Criteria: Ambry Variant Classification Scheme 2023. Collection method: clinical testing. Allele origin: germline.
Comment: The p.I280M variant (also known as c.840T>G), located in coding exon 6 of the ATM gene, results from a T to G substitution at nucleotide position 840. The isoleucine at codon 280 is replaced by methionine, an amino acid with highly similar properties. This amino acid position is not well conserved in available vertebrate species. In addition, this alteration is predicted to be tolerated by in silico analysis. Since supporting evidence is limited at this time, the clinical significance of this alteration remains unclear.

NM_000051.4(ATM):c.840T>G (p.Ile280Met)

Gene: ATM (ATM serine/threonine kinase; plus strand). Cytogenetic location: 11q22.3.
Variant type: single nucleotide variant.
Coding change: c.840T>G on transcript NM_000051.4 (MANE Select); coding-DNA position 840, T replaced by G.
Protein change: p.Ile280Met; replaces isoleucine 280 with methionine.
Molecular consequence: missense variant.
Genome position (GRCh38, 1-based): chr11:108,244,965, T>G. VCF-style: chr11-108244965-T-G. GRCh37 (hg19) VCF-style: chr11-108115692-T-G.
Other names: c.840T>G, p.Ile280Met (NM_001351834.2); short protein forms I280M.
Identifiers: ClinVar variation 822392 (VCV000822392.5), dbSNP rs1591504482, ClinGen allele CA382529456.